The following is an entry in ClinVar:

NM_004991.4(MECOM):c.1192C>A (p.His398Asn)

Gene: MECOM (MDS1 and EVI1 complex locus; minus strand). Cytogenetic location: 3q26.2.
Variant type: single nucleotide variant.
Coding change: c.1192C>A on transcript NM_004991.4 (MANE Select); coding-DNA position 1192, C replaced by A.
Protein change: p.His398Asn; replaces histidine 398 with asparagine.
Molecular consequence: missense variant. On other transcripts: intron variant (2).
Genome position (GRCh38, 1-based): chr3:169,116,680, G>T on the plus strand (C>A on the coding strand, the complement: MECOM is on the minus strand). VCF-style: chr3-169116680-G-T. GRCh37 (hg19) VCF-style: chr3-168834468-G-T.
Other names: c.823C>A, p.His275Asn (NM_001105077.4); c.628C>A, p.His210Asn (NM_001105078.4, NM_001164000.2, NM_001205194.2 and 4 more transcripts); c.631C>A, p.His211Asn (NM_001163999.2, NM_001366467.2, NM_001366468.2 and 1 more transcripts); c.1192C>A, p.His398Asn (NM_001366466.2); c.1133-913C>A (NM_001366473.2); c.569-913C>A (NM_001366474.2); short protein forms H210N, H275N, H398N, H211N.
Identifiers: ClinVar variation 4053337 (VCV004053337.1).

ClinVar aggregate classification (germline): Uncertain significance (1 of 4 stars; one submission).

Conditions:
Inborn genetic diseases. Identifiers: MedGen C0950123, MeSH D030342.

Submission:

Ambry Genetics
Classification: Uncertain significance for Inborn genetic diseases. Last evaluated: 2025-06-10. Review status: criteria provided, single submitter. Criteria: Ambry Variant Classification Scheme 2023. Collection method: clinical testing. Allele origin: germline.
Comment: The p.H398N variant (also known as c.1192C>A), located in coding exon 8 of the MECOM gene, results from a C to A substitution at nucleotide position 1192. The histidine at codon 398 is replaced by asparagine, an amino acid with similar properties. This amino acid position is conserved. In addition, the in silico prediction for this alteration is inconclusive. Based on the available evidence, the clinical significance of this variant remains unclear.